The following is an entry in ClinVar:

NM_006206.6(PDGFRA):c.2321T>C (p.Leu774Ser)

Gene: PDGFRA (platelet derived growth factor receptor alpha; plus strand). Cytogenetic location: 4q12.
Variant type: single nucleotide variant.
Coding change: c.2321T>C on transcript NM_006206.6 (MANE Select); coding-DNA position 2321, T replaced by C.
Protein change: p.Leu774Ser; replaces leucine 774 with serine.
Molecular consequence: missense variant.
Genome position (GRCh38, 1-based): chr4:54,280,480, T>C. VCF-style: chr4-54280480-T-C. GRCh37 (hg19) VCF-style: chr4-55146647-T-C.
Other names: c.2321T>C, p.Leu774Ser (NM_001347829.2, NM_001347827.2); c.2360T>C, p.Leu787Ser (NM_001347830.2); c.2396T>C, p.Leu799Ser (NM_001347828.2); short protein forms L774S, L787S, L799S.
Identifiers: ClinVar variation 4134021 (VCV004134021.1).

ClinVar aggregate classification (germline): Uncertain significance (1 of 4 stars; one submission).

Conditions:
Hereditary cancer-predisposing syndrome. Also called: Hereditary neoplastic syndrome; Neoplastic Syndromes, Hereditary; Tumor predisposition; Hereditary Cancer Syndrome. Identifiers: Orphanet 140162, MedGen C0027672, MeSH D009386, MONDO:0015356.

gnomAD v4.1: 1 of 1,611,142 alleles (0.000062%); highest among the groups gnomAD compares: Middle Eastern, 0.017%; no homozygotes.

Submission:

Ambry Genetics
Classification: Uncertain significance for Hereditary cancer-predisposing syndrome. Last evaluated: 2025-09-14. Review status: criteria provided, single submitter. Criteria: Ambry Variant Classification Scheme 2023. Collection method: clinical testing. Allele origin: germline.
Comment: The p.L774S variant (also known as c.2321T>C), located in coding exon 15 of the PDGFRA gene, results from a T to C substitution at nucleotide position 2321. The leucine at codon 774 is replaced by serine, an amino acid with dissimilar properties. This amino acid position is conserved. In addition, this alteration is predicted to be tolerated by in silico analysis. Based on the available evidence, the clinical significance of this variant remains unclear.